The following is an entry in ClinVar:

NM_000256.3(MYBPC3):c.1302C>T (p.Tyr434=)

Gene: MYBPC3 (myosin binding protein C3; minus strand). Cytogenetic location: 11p11.2.
Variant type: single nucleotide variant.
Coding change: c.1302C>T on transcript NM_000256.3 (MANE Select); coding-DNA position 1302, C replaced by T.
Protein change: p.Tyr434=; no amino-acid change (tyrosine 434 retained).
Molecular consequence: synonymous variant.
Genome position (GRCh38, 1-based): chr11:47,343,070, G>A on the plus strand (C>T on the coding strand, the complement: MYBPC3 is on the minus strand). VCF-style: chr11-47343070-G-A. GRCh37 (hg19) VCF-style: chr11-47364621-G-A.
Identifiers: ClinVar variation 669098 (VCV000669098.18), dbSNP rs190228518, ClinGen allele CA077974.

ClinVar aggregate classification (germline): Benign/Likely benign. Review status: criteria provided, multiple submitters, no conflicts (2 of 4 stars). 6 submissions from 6 submitters: Benign (2); Likely benign (4). Last evaluated 2026-01-17.

Conditions:
Cardiomyopathy (CMYO). Also called: Cardiomyopathies. Identifiers: Orphanet 167848, MedGen C0878544, MONDO:0004994, HP:0001638. Inheritance: Various modes of inheritance.
Hypertrophic cardiomyopathy. Also called: HYPERTROPHIC MYOCARDIOPATHY. Identifiers: Orphanet 217569, MedGen C0007194, MeSH D002312, MONDO:0005045, HP:0001639.
Cardiovascular phenotype. Identifiers: MedGen CN230736.

Allele frequency attached by ClinVar (database versions not stated): gnomAD 0.00003 and 0.00002; gnomAD exomes 0.00002 and 0.00005; TOPMed 0.00005; ExAC 0.00008; 1000 Genomes Project 30x 0.00031; 1000 Genomes Project 0.00040.
gnomAD v4.1: 34 of 1,612,576 alleles (0.0021%); highest among the groups gnomAD compares: East Asian, 0.071%; no homozygotes.

Submissions (6):

Labcorp Genetics (formerly Invitae), Labcorp
Classification: Benign for Hypertrophic cardiomyopathy. Last evaluated: 2026-01-17. Review status: criteria provided, single submitter. Criteria: Invitae Variant Classification Sherloc (09022015). Collection method: clinical testing. Allele origin: germline.

Blueprint Genetics
Classification: Likely benign. Last evaluated: 2024-11-27. Review status: criteria provided, single submitter. Criteria: ACMG Guidelines, 2015. Collection method: clinical testing. Allele origin: germline.

All of Us Research Program, National Institutes of Health
Classification: Likely benign for Hypertrophic cardiomyopathy. Last evaluated: 2023-12-13. Review status: criteria provided, single submitter. Criteria: ACMG Guidelines, 2015. Collection method: clinical testing. Allele origin: germline. Inheritance: Autosomal dominant inheritance. Observed: 5 variant alleles, 5 heterozygotes.
Comment: This study involves interpretation of variants in research participants for the purpose of population health screening. Participant phenotype was not available at the time of variant classification. Additional details can be found in publication PMID: 35346344, PMCID: PMC8962531

Ambry Genetics
Classification: Benign for Cardiovascular phenotype. Last evaluated: 2022-04-12. Review status: criteria provided, single submitter. Criteria: Ambry Variant Classification Scheme 2023. Collection method: clinical testing. Allele origin: germline.

Color Diagnostics, LLC DBA Color Health
Classification: Likely benign for Cardiomyopathy. Last evaluated: 2018-10-08. Review status: criteria provided, single submitter. Criteria: ACMG Guidelines, 2015. Collection method: clinical testing. Allele origin: germline.

GeneDx
Classification: Likely benign. Last evaluated: 2018-05-29. Review status: criteria provided, single submitter. Criteria: GeneDx Variant Classification (06012015). Collection method: clinical testing. Allele origin: germline. Affected: yes.
Comment: This variant is considered likely benign or benign based on one or more of the following criteria: it is a conservative change, it occurs at a poorly conserved position in the protein, it is predicted to be benign by multiple in silico algorithms, and/or has population frequency not consistent with disease.